The following is an entry in ClinVar:

NM_000046.5(ARSB):c.630_636del (p.Met209_Tyr210insTer)

Gene: ARSB (arylsulfatase B; minus strand). Cytogenetic location: 5q14.1.
Variant type: Deletion.
Coding change: c.630_636del on transcript NM_000046.5 (MANE Select); coding-DNA positions 630 to 636, 7 bases deleted (TTCAACA; older notation c.630_636delTTCAACA).
Protein change: p.Met209_Tyr210insTer.
Molecular consequence: nonsense.
Genome position (GRCh38, 1-based): chr5:78,964,470-78,964,476, TGTTGAA deleted on the plus strand (TTCAACA on the coding strand, the reverse complement: ARSB is on the minus strand); deleting any 7 consecutive bases within chr5:78,964,470-78,964,477 gives the same sequence; the c. name uses the placement nearest the transcript's 3' end. VCF-style (leftmost placement, unchanged base first): chr5-78964469-TTGTTGAA-T. GRCh37 (hg19) VCF-style: chr5-78260292-TTGTTGAA-T.
Other names: c.630_636del, p.Met209_Tyr210insTer (NM_198709.3).
Identifiers: ClinVar variation 559800 (VCV000559800.1), dbSNP rs1554087406, ClinGen allele CA658822931.

ClinVar aggregate classification (germline): Likely pathogenic (1 of 4 stars; one submission).

Conditions:
Mucopolysaccharidosis type 6 (MPS6). Also called: N-ACETYLGALACTOSAMINE-4-SULFATASE DEFICIENCY; MPS VI; MPS 6; Maroteaux Lamy syndrome; ARSB DEFICIENCY; ARYLSULFATASE B DEFICIENCY. Identifiers: Orphanet 583, MedGen C0026709, MONDO:0009661, OMIM 253200.

Submission:

Laboratory of Diagnosis and Therapy of Lysosomal Disorders, University of Padova
Classification: Likely pathogenic for Mucopolysaccharidosis type 6. Last evaluated: 2018-01-01. Review status: criteria provided, single submitter. Criteria: ACMG Guidelines, 2015. Collection method: curation. Allele origin: germline. Affected: yes.
Comment: Frameshift variant (PVS1); Absent from GnomAD (PM2)

Incorrectly reported by Karageorgos (2007) Hum Mutat 28, 897 as c.629_635del

Literature cited by the submitters: PubMed 17458871; PubMed 30118150.